The following is an entry in ClinVar:

ClinVar aggregate classification (germline): Uncertain significance. Review status: criteria provided, multiple submitters, no conflicts (2 of 4 stars). 2 submissions from 2 submitters: Uncertain significance (2). Last evaluated 2025-02-02.

Conditions:
Inborn genetic diseases. Identifiers: MedGen C0950123, MeSH D030342.
Fanconi anemia (FA). Also called: Fanconi's anemia. Identifiers: Orphanet 84, MedGen C0015625, MeSH D005199, MONDO:0019391.

Allele frequency attached by ClinVar (database versions not stated): gnomAD exomes below 0.00001.
gnomAD v4.1: 1 of 1,613,818 alleles (0.000062%); highest among the groups gnomAD compares: Non-Finnish European, 0.000085%; no homozygotes.

Submissions (2):

Ambry Genetics
Classification: Uncertain significance for Inborn genetic diseases. Last evaluated: 2025-02-02. Review status: criteria provided, single submitter. Criteria: Ambry Variant Classification Scheme 2023. Collection method: clinical testing. Allele origin: germline.
Comment: The p.N1306D variant (also known as c.3916A>G), located in coding exon 14 of the FANCM gene, results from an A to G substitution at nucleotide position 3916. The asparagine at codon 1306 is replaced by aspartic acid, an amino acid with highly similar properties. This amino acid position is conserved. In addition, this alteration is predicted to be tolerated by in silico analysis. Based on the available evidence, the clinical significance of this variant remains unclear.

Labcorp Genetics (formerly Invitae), Labcorp
Classification: Uncertain significance for Fanconi anemia. Last evaluated: 2022-06-17. Review status: criteria provided, single submitter. Criteria: Invitae Variant Classification Sherloc (09022015). Collection method: clinical testing. Allele origin: germline.
Comment: In summary, the available evidence is currently insufficient to determine the role of this variant in disease. Therefore, it has been classified as a Variant of Uncertain Significance. Algorithms developed to predict the effect of missense changes on protein structure and function output the following: SIFT: "Tolerated"; PolyPhen-2: "Benign"; Align-GVGD: "Class C0". The aspartic acid amino acid residue is found in multiple mammalian species, which suggests that this missense change does not adversely affect protein function. This variant has not been reported in the literature in individuals affected with FANCM-related conditions. This variant is not present in population databases (gnomAD no frequency). This sequence change replaces asparagine, which is neutral and polar, with aspartic acid, which is acidic and polar, at codon 1306 of the FANCM protein (p.Asn1306Asp).

NM_020937.4(FANCM):c.3916A>G (p.Asn1306Asp)

Gene: FANCM (FA complementation group M; plus strand). Cytogenetic location: 14q21.2.
Variant type: single nucleotide variant.
Coding change: c.3916A>G on transcript NM_020937.4 (MANE Select); coding-DNA position 3916, A replaced by G.
Protein change: p.Asn1306Asp; replaces asparagine 1306 with aspartic acid.
Molecular consequence: missense variant.
Genome position (GRCh38, 1-based): chr14:45,176,670, A>G. VCF-style: chr14-45176670-A-G. GRCh37 (hg19) VCF-style: chr14-45645873-A-G.
Other names: c.3838A>G, p.Asn1280Asp (NM_001308133.2); short protein forms N1280D, N1306D.
Identifiers: ClinVar variation 2007701 (VCV002007701.5), dbSNP rs2503195615, ClinGen allele CA389603552.